The following is an entry in ClinVar:

NM_032444.4(SLX4):c.3506A>C (p.Lys1169Thr)

Gene: SLX4 (SLX4 structure-specific endonuclease subunit; minus strand). Cytogenetic location: 16p13.3.
Variant type: single nucleotide variant.
Coding change: c.3506A>C on transcript NM_032444.4 (MANE Select); coding-DNA position 3506, A replaced by C.
Protein change: p.Lys1169Thr; replaces lysine 1169 with threonine.
Molecular consequence: missense variant.
Genome position (GRCh38, 1-based): chr16:3,590,132, T>G on the plus strand (A>C on the coding strand, the complement: SLX4 is on the minus strand). VCF-style: chr16-3590132-T-G. GRCh37 (hg19) VCF-style: chr16-3640133-T-G.
Other names: short protein forms K1169T.
Identifiers: ClinVar variation 2733050 (VCV002733050.3), dbSNP rs781504454, ClinGen allele CA276958990.

ClinVar aggregate classification (germline): Uncertain significance (1 of 4 stars; one submission).

Conditions:
Fanconi anemia (FA). Also called: Fanconi's anemia. Identifiers: Orphanet 84, MedGen C0015625, MeSH D005199, MONDO:0019391.

Allele frequency attached by ClinVar (database versions not stated): TOPMed below 0.00001.
gnomAD v4.1: 4 of 1,614,166 alleles (0.00025%); highest among the groups gnomAD compares: Non-Finnish European, 0.00034%; no homozygotes.

Submission:

Labcorp Genetics (formerly Invitae), Labcorp
Classification: Uncertain significance for Fanconi anemia. Last evaluated: 2022-12-17. Review status: criteria provided, single submitter. Criteria: Invitae Variant Classification Sherloc (09022015). Collection method: clinical testing. Allele origin: germline.
Comment: This sequence change replaces lysine, which is basic and polar, with threonine, which is neutral and polar, at codon 1169 of the SLX4 protein (p.Lys1169Thr). This variant is not present in population databases (gnomAD no frequency). This variant has not been reported in the literature in individuals affected with SLX4-related conditions. Algorithms developed to predict the effect of missense changes on protein structure and function (SIFT, PolyPhen-2, Align-GVGD) all suggest that this variant is likely to be tolerated. In summary, the available evidence is currently insufficient to determine the role of this variant in disease. Therefore, it has been classified as a Variant of Uncertain Significance.